The following is an entry in ClinVar:

NM_000179.3(MSH6):c.233G>T (p.Arg78Ile)

Gene: MSH6 (mutS homolog 6; plus strand). Cytogenetic location: 2p16.3.
Variant type: single nucleotide variant.
Coding change: c.233G>T on transcript NM_000179.3 (MANE Select); coding-DNA position 233, G replaced by T.
Protein change: p.Arg78Ile; replaces arginine 78 with isoleucine.
Molecular consequence: missense variant. On other transcripts: 5 prime UTR variant (7), non-coding transcript variant (5), intron variant (5).
Genome position (GRCh38, 1-based): chr2:47,783,466, G>T. VCF-style: chr2-47783466-G-T. GRCh37 (hg19) VCF-style: chr2-48010605-G-T.
Other names: c.233G>T, p.Arg78Ile (NM_001281492.2, NM_001406795.1, NM_001406796.1 and 9 more transcripts); c.-504G>T (NM_001281493.2, NM_001406811.1); c.-96G>T (NM_001406799.1); c.178G>T, p.Asp60Tyr (NM_001406804.1); c.-696G>T (NM_001406807.1); c.-351G>T (NM_001406812.1); c.-762G>T (NM_001406814.1); c.-307G>T (NM_001406816.1); and 3 more; short protein forms D60Y, R78I.
Identifiers: ClinVar variation 4825266 (VCV004825266.1).
Genomic context (GRCh38, chr2:47,783,466, plus strand): 5'-GGCCCTTGGCGCGCTCCGCGTCACCGCCCAAGGCGAAGAACCTCAACGGAGGGCTGCGGA[G>T]ATCGGTAGCGCCTGCTGCCCCCACCAGGTAGCGGGGTGGGGGTGGGGTCGAAGGCGGGGG-3'
Protein context (NP_000170.1, residues 68-88): KAKNLNGGLR[Arg78Ile]SVAPAAPTSC

ClinVar aggregate classification (germline): Uncertain significance (1 of 4 stars; one submission).

Conditions:
Hereditary cancer-predisposing syndrome. Also called: Neoplastic Syndromes, Hereditary; Tumor predisposition; Hereditary Cancer Syndrome; Hereditary neoplastic syndrome. Identifiers: Orphanet 140162, MedGen C0027672, MeSH D009386, MONDO:0015356.

Submission:

Ambry Genetics
Classification: Uncertain significance for Hereditary cancer-predisposing syndrome. Last evaluated: 2026-02-11. Review status: criteria provided, single submitter. Criteria: Ambry Variant Classification Scheme 2023. Collection method: clinical testing. Allele origin: germline.
Comment: The p.R78I variant (also known as c.233G>T), located in coding exon 1 of the MSH6 gene, results from a G to T substitution at nucleotide position 233. The arginine at codon 78 is replaced by isoleucine, an amino acid with similar properties. This amino acid position is not well conserved in available vertebrate species. In addition, this alteration is predicted to be tolerated by in silico analysis. Based on the available evidence, the clinical significance of this variant remains unclear.